The following is an entry in ClinVar:

ClinVar aggregate classification (germline): Likely benign. Review status: criteria provided, multiple submitters, no conflicts (2 of 4 stars). 3 submissions from 3 submitters: Likely benign (3). Last evaluated 2026-04-01.

Allele frequency attached by ClinVar (database versions not stated): gnomAD 0.00019 and 0.00020; TOPMed 0.00022; ESP Exome Variant Server 0.00023; ExAC 0.00029; gnomAD exomes 0.00029 and 0.00036.
gnomAD v4.1: 540 of 1,613,114 alleles (0.033%); highest among the groups gnomAD compares: Middle Eastern, 0.23%; 1 homozygote.

Submissions (3):

CeGaT Center for Human Genetics Tuebingen
Classification: Likely benign. Last evaluated: 2026-04-01. Review status: criteria provided, single submitter. Criteria: CeGaT Center For Human Genetics Tuebingen Variant Classification Criteria Version 2. Collection method: clinical testing. Allele origin: germline. Affected: yes. Observed: 3 variant alleles.
Comment: AHDC1: BP4, BP7

Labcorp Genetics (formerly Invitae), Labcorp
Classification: Likely benign. Last evaluated: 2026-01-22. Review status: criteria provided, single submitter. Criteria: Invitae Variant Classification Sherloc (09022015). Collection method: clinical testing. Allele origin: germline.

GeneDx
Classification: Likely benign. Last evaluated: 2021-04-06. Review status: criteria provided, single submitter. Criteria: GeneDx Variant Classification Process June 2021. Collection method: clinical testing. Allele origin: germline. Affected: yes.

NM_001371928.1(AHDC1):c.1728G>A (p.Ala576=)

Gene: AHDC1 (AT-hook DNA binding motif containing 1; minus strand). Cytogenetic location: 1p36.11.
Variant type: single nucleotide variant.
Coding change: c.1728G>A on transcript NM_001371928.1 (MANE Select); coding-DNA position 1728, G replaced by A.
Protein change: p.Ala576=; no amino-acid change (alanine 576 retained).
Molecular consequence: synonymous variant.
Genome position (GRCh38, 1-based): chr1:27,550,388, C>T on the plus strand (G>A on the coding strand, the complement: AHDC1 is on the minus strand). VCF-style: chr1-27550388-C-T. GRCh37 (hg19) VCF-style: chr1-27876899-C-T.
Other names: c.1728G>A, p.Ala576= (NM_001029882.3).
Identifiers: ClinVar variation 1301131 (VCV001301131.25), dbSNP rs140833719, ClinGen allele CA715896.